The following is an entry in ClinVar:

ClinVar aggregate classification (germline): Uncertain significance (1 of 4 stars; one submission).

Conditions:
Luscan-Lumish syndrome. Identifiers: Orphanet 597738, MedGen C4085873, MONDO:0014791, OMIM 616831.

gnomAD v4.1: 1 of 1,614,112 alleles (0.000062%); highest among the groups gnomAD compares: Non-Finnish European, 0.000085%; no homozygotes.

Submission:

Labcorp Genetics (formerly Invitae), Labcorp
Classification: Uncertain significance for Luscan-Lumish syndrome. Last evaluated: 2025-12-06. Review status: criteria provided, single submitter. Criteria: Invitae Variant Classification Sherloc (09022015). Collection method: clinical testing. Allele origin: germline.
Comment: This sequence change replaces proline, which is neutral and non-polar, with leucine, which is neutral and non-polar, at codon 2208 of the SETD2 protein (p.Pro2208Leu). This variant is not present in population databases (gnomAD no frequency). This variant has not been reported in the literature in individuals affected with SETD2-related conditions. An algorithm developed to predict the effect of missense changes on protein structure and function (PolyPhen-2) suggests that this variant is likely to be tolerated. In summary, the available evidence is currently insufficient to determine the role of this variant in disease. Therefore, it has been classified as a Variant of Uncertain Significance.

NM_014159.7(SETD2):c.6623C>T (p.Pro2208Leu)

Gene: SETD2 (SET domain containing 2, histone lysine methyltransferase; minus strand). Cytogenetic location: 3p21.31.
Variant type: single nucleotide variant.
Coding change: c.6623C>T on transcript NM_014159.7 (MANE Select); coding-DNA position 6623, C replaced by T.
Protein change: p.Pro2208Leu; replaces proline 2208 with leucine.
Molecular consequence: missense variant. On other transcripts: non-coding transcript variant (1).
Genome position (GRCh38, 1-based): chr3:47,057,161, G>A on the plus strand (C>T on the coding strand, the complement: SETD2 is on the minus strand). VCF-style: chr3-47057161-G-A. GRCh37 (hg19) VCF-style: chr3-47098651-G-A.
Other names: c.6491C>T, p.Pro2164Leu (NM_001349370.3); short protein forms P2164L, P2208L.
Identifiers: ClinVar variation 4725653 (VCV004725653.1).
Genomic context (GRCh38, chr3:47,057,161, plus strand): 5'-TGTGGCACCACTGGTACTGGTGGAGGGGCAGAAAGGGGTTCTGTAGAATGTCCCACCAAG[G>A]GCTGAGCATGATCATAAGGAGCAGGAGAACACACTGGGTCCATGCTGGGTGTGGGCAGGA-3'
Protein context (NP_054878.5, residues 2198-2218): CSPAPYDHAQ[Pro2208Leu]LVGHSTEPLS